The following is an entry in ClinVar:

ClinVar aggregate classification (germline): Uncertain significance (1 of 4 stars; one submission).

Conditions:
MYH7-related skeletal myopathy. Also called: Myopathy, distal, 1; Laing distal myopathy; MYOPATHY, DISTAL, EARLY-ONSET, AUTOSOMAL DOMINANT; MYOPATHY, LATE DISTAL HEREDITARY; Laing early-onset distal myopathy. Identifiers: Orphanet 59135, MedGen C4552004, MONDO:0008050, OMIM 160500.

Submission:

Harry Perkins Institute Of Medical Research, University Of Western Australia
Classification: Uncertain significance for MYH7-related skeletal myopathy. Review status: criteria provided, single submitter. Criteria: ACMG Guidelines, 2015. Collection method: research, in vitro. Allele origin: germline, not applicable. Inheritance: Autosomal dominant inheritance. Affected: yes. Functional consequence: splicing variant.
Comment: The c.4170-34T>G intronic variant in MYH7 has a spliceAI score of 0.98 and is predicted to introduce a new acceptor site, leading to inclusion of 33bp of intronic sequence. in vitro assays support impact of this variant on MYH7 mRNA splicing and is predicted to lead to a missense change p.(Lys1390Asn), followed by an insertion of 11 novel amino acids [LPTLCHPPLGR] between p.(Lys1390Asn) and p.Lys1391 of the MYH7 protein, changing the protein length by an in-frame insertion. PM4 (Protein length changes as a result of in-frame deletions/insertions in a nonrepeat) region or stop-loss variants. PM1 (Located in a mutational hot spot and/or critical and well-established functional domain (e.g., active site of an enzyme) without benign variation). Splicing variants in MYH7 which lead to in-frame changes have been previously reported in patients with congenital myopathy (PMID: 30794915)

Literature cited by the submitters: PubMed 30794915.

NM_000257.4(MYH7):c.4170-34T>G

Gene: MYH7 (myosin heavy chain 7; minus strand). Cytogenetic location: 14q11.2.
Variant type: single nucleotide variant.
Coding change: c.4170-34T>G on transcript NM_000257.4 (MANE Select); 34 bases into the intron before coding-DNA position 4170, T replaced by G.
Molecular consequence: intron variant.
Genome position (GRCh38, 1-based): chr14:23,417,720, A>C on the plus strand (T>G on the coding strand, the complement: MYH7 is on the minus strand). VCF-style: chr14-23417720-A-C. GRCh37 (hg19) VCF-style: chr14-23886929-A-C.
Other names: c.4170-34T>G (NM_001407004.1).
Identifiers: ClinVar variation 4857668 (VCV004857668.1).